The following is an entry in ClinVar:

NM_000038.6(APC):c.6282del (p.Asp2095fs)

Gene: APC (APC regulator of Wnt signaling pathway; plus strand). Cytogenetic location: 5q22.2.
Variant type: Deletion.
Coding change: c.6282del on transcript NM_000038.6 (MANE Select); coding-DNA position 6282, one base deleted (T; older notation c.6282delT).
Protein change: p.Asp2095fs; shifts the reading frame from aspartic acid 2095.
Molecular consequence: frameshift variant.
Genome position (GRCh38, 1-based): chr5:112,841,876, T deleted. VCF-style (leftmost placement, unchanged base first): chr5-112841875-CT-C. GRCh37 (hg19) VCF-style: chr5-112177572-CT-C.
Other names: c.6282del, p.Asp2095fs (NM_001127510.3, NM_001354895.2); c.6228del, p.Asp2077fs (NM_001127511.3); c.6336del, p.Asp2113fs (NM_001354896.2); c.6312del, p.Asp2105fs (NM_001354897.2); c.6207del, p.Asp2070fs (NM_001354898.2); c.6198del, p.Asp2067fs (NM_001354899.2); c.6159del, p.Asp2054fs (NM_001354900.2); c.6105del, p.Asp2036fs (NM_001354901.2); and 5 more; short protein forms D1812fs, D2004fs, D2036fs, D2077fs, D2113fs, D1935fs, D1969fs, D2070fs.
Identifiers: ClinVar variation 1454412 (VCV001454412.9), dbSNP rs2149961425, ClinGen allele CA2573138693.
Genomic context (GRCh38, chr5:112,841,875, plus strand): 5'-AAGATCTGACACTTGATTTGAAAGATATACAGAGACCAGATTCAGAACATGGTCTATCCC[CT>C]GATTCAGAAAATTTTGATTGGAAAGCTATTCAGGAAGGTGCAAATTCCATAGTAAGTAGT-3'

ClinVar aggregate classification (germline): Pathogenic. Review status: criteria provided, multiple submitters, no conflicts (2 of 4 stars). 3 submissions from 3 submitters: Pathogenic (3). Last evaluated 2025-07-15.

Conditions:
Hereditary cancer-predisposing syndrome. Also called: Tumor predisposition; Neoplastic Syndromes, Hereditary; Hereditary Cancer Syndrome; Hereditary neoplastic syndrome. Identifiers: Orphanet 140162, MedGen C0027672, MeSH D009386, MONDO:0015356.
Familial adenomatous polyposis 1 (FAP1). Also called: POLYPOSIS, ADENOMATOUS INTESTINAL; FAMILIAL ADENOMATOUS POLYPOSIS 1, ATTENUATED. Identifiers: MedGen C2713442, MONDO:0021056, OMIM 175100. Disease mechanism: loss of function.

Submissions (3):

Color Diagnostics, LLC DBA Color Health
Classification: Pathogenic for Hereditary cancer-predisposing syndrome. Last evaluated: 2025-07-15. Review status: criteria provided, single submitter. Criteria: ACMG Guidelines, 2015. Collection method: clinical testing. Allele origin: germline.
Comment: This variant deletes 1 nucleotide in exon 16 of the APC gene, creating a frameshift and premature translation stop signal. This variant is expected to result in an absent or non-functional protein product. To our knowledge, this variant has not been reported in individuals affected with APC-related disorders in the literature. This variant has not been identified in the general population by the Genome Aggregation Database (gnomAD). Loss of APC function is a known mechanism of disease. Based on the available evidence, this variant is classified as Pathogenic.

Labcorp Genetics (formerly Invitae), Labcorp
Classification: Pathogenic for Familial adenomatous polyposis 1. Last evaluated: 2023-08-14. Review status: criteria provided, single submitter. Criteria: Invitae Variant Classification Sherloc (09022015). Collection method: clinical testing. Allele origin: germline.
Comment: For these reasons, this variant has been classified as Pathogenic. This sequence change creates a premature translational stop signal (p.Asp2095Ilefs*17) in the APC gene. While this is not anticipated to result in nonsense mediated decay, it is expected to disrupt the last 749 amino acid(s) of the APC protein. This variant is not present in population databases (gnomAD no frequency). This variant has not been reported in the literature in individuals affected with APC-related conditions. ClinVar contains an entry for this variant (Variation ID: 1454412). This variant is expected to disrupt the EB1 and HDLG binding sites, which mediate interactions with the cytoskeleton (PMID: 15311282, 17293347). While functional studies have not been performed to directly test the effect on APC protein function, this suggests that disruption of the C-terminal portion of the protein is functionally important. A different truncation (p.Tyr2645Lysfs*14) that lies downstream of this variant has been determined to be pathogenic (PMID: 9824584, 1316610, 27081525, 8381579, 22135120, Invitae). This suggests that deletion of this region of the APC protein is causative of disease.

Myriad Genetics, Inc.
Classification: Pathogenic for Familial adenomatous polyposis 1. Last evaluated: 2023-05-15. Review status: criteria provided, single submitter. Criteria: Myriad Autosomal Dominant, Autosomal Recessive and X-Linked Classification Criteria (2023). Collection method: clinical testing. Allele origin: unknown.
Comment: This variant is considered pathogenic. This variant creates a frameshift predicted to result in premature protein truncation.

Literature cited by the submitters: PubMed 15311282 (cited by Labcorp Genetics (formerly Invitae), Labcorp); PubMed 17293347 (cited by Labcorp Genetics (formerly Invitae), Labcorp); PubMed 9824584 (cited by Labcorp Genetics (formerly Invitae), Labcorp); PubMed 1316610 (cited by Labcorp Genetics (formerly Invitae), Labcorp); PubMed 27081525 (cited by Labcorp Genetics (formerly Invitae), Labcorp); PubMed 8381579 (cited by Labcorp Genetics (formerly Invitae), Labcorp); PubMed 22135120 (cited by Labcorp Genetics (formerly Invitae), Labcorp).